The following is an entry in ClinVar:

ClinVar aggregate classification (germline): Uncertain significance. Review status: criteria provided, multiple submitters, no conflicts (2 of 4 stars). 5 submissions from 5 submitters: Uncertain significance (4). 1 of the submissions does not count toward it. Last evaluated 2024-12-22.

Conditions:
PEX13-related disorder. Also called: PEX13-related condition; PEX13-related disorders.
Peroxisome biogenesis disorder 11A (Zellweger). Also called: Peroxisome biogenesis disorder 11A. Identifiers: Orphanet 912, MedGen C3554000, MONDO:0013949, OMIM 614883.
Inborn genetic diseases. Identifiers: MedGen C0950123, MeSH D030342.

Allele frequency attached by ClinVar (database versions not stated): TOPMed below 0.00001; gnomAD 0.00001.
gnomAD v4.1: 4 of 1,613,850 alleles (0.00025%); highest among the groups gnomAD compares: Admixed American, 0.0033%; no homozygotes.

Submissions (5):

Ambry Genetics
Classification: Uncertain significance for Inborn genetic diseases. Last evaluated: 2024-12-22. Review status: criteria provided, single submitter. Criteria: Ambry Variant Classification Scheme 2023. Collection method: clinical testing. Allele origin: germline.

Blueprint Genetics
Classification: Uncertain significance. Last evaluated: 2024-07-04. Review status: criteria provided, single submitter. Criteria: ACMG Guidelines, 2015. Collection method: clinical testing. Allele origin: germline.

Labcorp Genetics (formerly Invitae), Labcorp
Classification: Uncertain significance for Peroxisome biogenesis disorder 11A (Zellweger). Last evaluated: 2022-08-13. Review status: criteria provided, single submitter. Criteria: Invitae Variant Classification Sherloc (09022015). Collection method: clinical testing. Allele origin: germline.
Comment: This sequence change replaces valine, which is neutral and non-polar, with leucine, which is neutral and non-polar, at codon 382 of the PEX13 protein (p.Val382Leu). This variant is present in population databases (no rsID available, gnomAD 0.006%). This variant has not been reported in the literature in individuals affected with PEX13-related conditions. ClinVar contains an entry for this variant (Variation ID: 289598). Algorithms developed to predict the effect of missense changes on protein structure and function (SIFT, PolyPhen-2, Align-GVGD) all suggest that this variant is likely to be tolerated. In summary, the available evidence is currently insufficient to determine the role of this variant in disease. Therefore, it has been classified as a Variant of Uncertain Significance.

Eurofins Ntd Llc (ga)
Classification: Uncertain significance. Last evaluated: 2016-07-18. Review status: criteria provided, single submitter. Criteria: EGL Classification Definitions 2015. Collection method: clinical testing. Allele origin: germline. Observed: 1 variant allele, 1 heterozygote.

PreventionGenetics, part of Exact Sciences
Classification: Uncertain significance for PEX13-related condition. Last evaluated: 2024-02-02. Review status: no assertion criteria provided. Collection method: clinical testing. Allele origin: germline. Not counted in ClinVar's aggregate classification.
Comment: The PEX13 c.1144G>C variant is predicted to result in the amino acid substitution p.Val382Leu. To our knowledge, this variant has not been reported in the literature. This variant is reported in 0.0056% of alleles in individuals of Latino descent in gnomAD. At this time, the clinical significance of this variant is uncertain due to the absence of conclusive functional and genetic evidence.

NM_002618.4(PEX13):c.1144G>C (p.Val382Leu)

Gene: PEX13 (peroxisomal biogenesis factor 13; plus strand). Cytogenetic location: 2p15.
Variant type: single nucleotide variant.
Coding change: c.1144G>C on transcript NM_002618.4 (MANE Select); coding-DNA position 1144, G replaced by C.
Protein change: p.Val382Leu; replaces valine 382 with leucine.
Molecular consequence: missense variant.
Genome position (GRCh38, 1-based): chr2:61,048,702, G>C. VCF-style: chr2-61048702-G-C. GRCh37 (hg19) VCF-style: chr2-61275837-G-C.
Other names: c.1144G>C (NM_002618.3); short protein forms V382L.
Identifiers: ClinVar variation 289598 (VCV000289598.11), dbSNP rs886044219, ClinGen allele CA10606494.
Genomic context (GRCh38, chr2:61,048,702, plus strand): 5'-AAAGGAGCCACGGTTGCTGATTCTTTGGATGAACAGGAAGCTGCCTTTGAATCTGTTTTT[G>C]TTGAAACTAATAAGGTTCCAGTTGCACCTGATTCCATTGGGAAAGATGGAGAAAAGCAAG-3'
Protein context (NP_002609.1, residues 372-392): EQEAAFESVF[Val382Leu]ETNKVPVAPD